The following is an entry in ClinVar:

NM_000238.4(KCNH2):c.157G>C (p.Gly53Arg)

Gene: KCNH2 (potassium voltage-gated channel subfamily H member 2; minus strand). Cytogenetic location: 7q36.1.
Variant type: single nucleotide variant.
Coding change: c.157G>C on transcript NM_000238.4 (MANE Select); coding-DNA position 157, G replaced by C.
Protein change: p.Gly53Arg; replaces glycine 53 with arginine.
Molecular consequence: missense variant.
Genome position (GRCh38, 1-based): chr7:150,974,861, C>G on the plus strand (G>C on the coding strand, the complement: KCNH2 is on the minus strand). VCF-style: chr7-150974861-C-G. GRCh37 (hg19) VCF-style: chr7-150671949-C-G.
Other names: c.157G>C (LRG_288t1); c.-21G>C (NM_001406755.1); c.157G>C, p.Gly53Arg (NM_172056.3); short protein forms G53R.
Identifiers: ClinVar variation 67215 (VCV000067215.15), dbSNP rs199472842, ClinGen allele CA004831.

ClinVar aggregate classification (germline): Pathogenic/Likely pathogenic. Review status: criteria provided, multiple submitters, no conflicts (2 of 4 stars). 6 submissions from 6 submitters: Pathogenic (2); Likely pathogenic (3). 1 of the submissions does not count toward it. Last evaluated 2022-01-13.

Conditions:
Cardiovascular phenotype. Identifiers: MedGen CN230736.
Cardiac arrhythmia. Also called: Arrhythmia; Cardiac rhythm disease. Identifiers: MedGen C0003811, MONDO:0007263, HP:0011675.
Familial long QT syndrome (RWS). Also called: Congenital long QT syndrome; Romano-Ward syndrome; VENTRICULAR FIBRILLATION WITH PROLONGED QT INTERVAL. Identifiers: Orphanet 768, MedGen C1141890, MONDO:0019171.

Submissions (6):

GeneDx
Classification: Pathogenic. Last evaluated: 2022-01-13. Review status: criteria provided, single submitter. Criteria: GeneDx Variant Classification Process June 2021. Collection method: clinical testing. Allele origin: germline. Affected: yes.
Comment: Not observed in large population cohorts (gnomAD); Published functional studies demonstrate a damaging effect via channel deactivation or trafficking defect (Chen et al., 1999; Harley et al., 2012; Anderson et al., 2014); In silico analysis supports that this missense variant has a deleterious effect on protein structure/function; Reported in ClinVar (ClinVar Variant ID# 67215); This variant is associated with the following publications: (PMID: 10187793, 15840476, 21536673, 23303164, 22396785, 32475984, 10973849, 25417810)

Institute of Medical Genetics and Applied Genomics, University Hospital Tübingen
Classification: Pathogenic. Last evaluated: 2020-10-23. Review status: criteria provided, single submitter. Criteria: ACMG Guidelines, 2015. Collection method: clinical testing. Allele origin: germline. Inheritance: Unknown mechanism. Affected: yes.

Ambry Genetics
Classification: Likely pathogenic for Cardiovascular phenotype. Last evaluated: 2020-09-25. Review status: criteria provided, single submitter. Criteria: Ambry Variant Classification Scheme 2023. Collection method: clinical testing. Allele origin: germline.
Comment: The p.G53R variant (also known as c.157G>C), located in coding exon 2 of the KCNH2 gene, results from a G to C substitution at nucleotide position 157. The glycine at codon 53 is replaced by arginine, an amino acid with dissimilar properties. This variant has been reported in a patient with Long QT Syndrome Type 2 (LQT2) (Haraguchi Y et al. Circ. J., 2005 Jan;69:78-82). Functional studies indicate that this alteration will impact protein function (Chen J et al. J. Biol. Chem., 1999 Apr;274:10113-8; Gianulis EC et al. J. Biol. Chem., 2011 Jun;286:22160-9; Anderson CL et al. Nat Commun, 2014 Nov;5:5535). This amino acid position is highly conserved in available vertebrate species. Based on internal structural analysis, this alteration is located within the PAS domain of KCNH2 and is expected to disrupt trafficking and lead to deactivation of the potassium channel (Chen J et al. J. Biol. Chem., 1999 Apr;274:10113-8; Ambry internal data). This variant was not reported in population-based cohorts in the Genome Aggregation Database (gnomAD). In addition, this alteration is predicted to be deleterious by in silico analysis. Based on the majority of available evidence to date, this variant is likely to be pathogenic.

Color Diagnostics, LLC DBA Color Health
Classification: Likely pathogenic for Cardiac arrhythmia. Last evaluated: 2019-10-09. Review status: criteria provided, single submitter. Criteria: ACMG Guidelines, 2015. Collection method: clinical testing. Allele origin: germline.
Comment: This missense variant replaces glycine with arginine at codon 53 in the cytoplasmic N-terminal PAS domain of the KCNH2 protein. Computational prediction suggests that this variant may have deleterious impact on protein structure and function (internally defined REVEL score threshold >= 0.7, PMID: 27666373). Splice site prediction tools suggest that this variant may not impact RNA splicing. Functional studies have shown that the mutant protein is defective for protein maturation and trafficking to the cell surface (PMID: 22396785, 25417810, 26958806), but shows normal function if successfully transported to the cell surface (PMID: 26958806). This variant has been reported in multiple long QT syndrome patients (PMID: 10973849, 15635208 15840476) and may also present as concealed long QT syndrome (PMID: 21185501). This variant has not been identified in the general population by the Genome Aggregation Database (gnomAD). A different variant at the same position (p.Gly53Asp) has also been observed in a long QT syndrome patient (PMID: 19716085). Based on the available evidence, this variant is classified as Likely Pathogenic.

Laboratory for Molecular Medicine, Mass General Brigham Personalized Medicine
Classification: Likely pathogenic for Familial long QT syndrome. Last evaluated: 2018-05-14. Review status: criteria provided, single submitter. Criteria: ACMG Guidelines, 2015. Collection method: clinical testing. Allele origin: germline. Inheritance: Autosomal dominant inheritance.
Comment: The p.Gly53Arg variant in KCNH2 has been reported in at least 4 individuals with Long QT syndrome (LQTS; Splawski 2000, Haraguchi 2005, Tester 2005, Goldenberg 2011), and was absent from large population studies. In vitro functional studies provide some evidence that the p.Gly53Arg variant may impact protein trafficking, although effects of the variant on gating potential are conflicting (Chen 1999, Gianulis 2011, Harley 2012, Anderson 2014). An animal model in zebrafish has shown that this variant cannot rescue wildtype levels of repolorization (Jou 2013). Note, these types of assays may not accurately represent biological function. This variant has been reported in ClinVar (Variation ID: 67215). Computational prediction tools and conservation analysis suggest that the p.Gly53Arg variant may impact the protein, though this information is not predictive enough to determine pathogenicity. In summary, although additional studies are required to fully establish its clinical significance, the p.Gly53Arg variant is likely pathogenic. ACMG/AMP Criteria applied: PS3_Moderate, PM2, PS4_Supporting, PP3.

Cardiovascular Biomedical Research Unit, Royal Brompton & Harefield NHS Foundation Trust
No classification provided. Condition: Familial long QT syndrome. Review status: no classification provided. Collection method: literature only. Allele origin: germline. Not counted in ClinVar's aggregate classification.
Comment: This variant has been reported as associated with Long QT syndrome in the following publications (PMID:10187793;PMID:10973849;PMID:15840476;PMID:21536673;PMID:22396785). This is a literature report, and does not necessarily reflect the clinical interpretation of the Imperial College / Royal Brompton Cardiovascular Genetics laboratory.

Literature cited by the submitters: PubMed 10187793 (cited by 3 submitters); PubMed 10973849 (cited by 3 submitters); PubMed 15635208 (cited by Ambry Genetics and Laboratory for Molecular Medicine, Mass General Brigham Personalized Medicine); PubMed 21536673 (cited by 3 submitters); PubMed 22396785 (cited by 3 submitters); PubMed 23303164 (cited by Ambry Genetics and Laboratory for Molecular Medicine, Mass General Brigham Personalized Medicine); PubMed 25417810 (cited by Ambry Genetics and Laboratory for Molecular Medicine, Mass General Brigham Personalized Medicine); PubMed 26958806 (cited by Ambry Genetics); PubMed 26187847 (cited by Laboratory for Molecular Medicine, Mass General Brigham Personalized Medicine); PubMed 21185501 (cited by Laboratory for Molecular Medicine, Mass General Brigham Personalized Medicine); PubMed 15840476 (cited by Laboratory for Molecular Medicine, Mass General Brigham Personalized Medicine and Cardiovascular Biomedical Research Unit, Royal Brompton & Harefield NHS Foundation Trust); PubMed 22581653 (cited by Cardiovascular Biomedical Research Unit, Royal Brompton & Harefield NHS Foundation Trust).